The following is an entry in ClinVar:

NM_014055.4(IFT81):c.1048A>G (p.Ile350Val)

Gene: IFT81 (intraflagellar transport 81; plus strand). Cytogenetic location: 12q24.11.
Variant type: single nucleotide variant.
Coding change: c.1048A>G on transcript NM_014055.4 (MANE Select); coding-DNA position 1048, A replaced by G.
Protein change: p.Ile350Val; replaces isoleucine 350 with valine.
Molecular consequence: missense variant. On other transcripts: non-coding transcript variant (4).
Genome position (GRCh38, 1-based): chr12:110,162,925, A>G. VCF-style: chr12-110162925-A-G. GRCh37 (hg19) VCF-style: chr12-110600730-A-G.
Other names: c.1048A>G, p.Ile350Val (NM_001143779.2, NM_001347946.2, NM_031473.4); c.118A>G, p.Ile40Val (NM_001347947.2, NM_001347948.2); short protein forms I350V, I40V.
Identifiers: ClinVar variation 1394856 (VCV001394856.8), dbSNP rs1363531041, ClinGen allele CA386913750.

ClinVar aggregate classification (germline): Uncertain significance (1 of 4 stars; one submission).

Allele frequency attached by ClinVar (database versions not stated): gnomAD 0.00001; gnomAD exomes 0.00001; TOPMed 0.00001.
gnomAD v4.1: 11 of 1,611,826 alleles (0.00068%); highest among the groups gnomAD compares: Non-Finnish European, 0.00093%; no homozygotes.

Submission:

Labcorp Genetics (formerly Invitae), Labcorp
Classification: Uncertain significance. Last evaluated: 2024-11-11. Review status: criteria provided, single submitter. Criteria: Invitae Variant Classification Sherloc (09022015). Collection method: clinical testing. Allele origin: germline.
Comment: This sequence change replaces isoleucine, which is neutral and non-polar, with valine, which is neutral and non-polar, at codon 350 of the IFT81 protein (p.Ile350Val). This variant is not present in population databases (gnomAD no frequency). This variant has not been reported in the literature in individuals affected with IFT81-related conditions. ClinVar contains an entry for this variant (Variation ID: 1394856). Invitae Evidence Modeling of protein sequence and biophysical properties (such as structural, functional, and spatial information, amino acid conservation, physicochemical variation, residue mobility, and thermodynamic stability) indicates that this missense variant is not expected to disrupt IFT81 protein function with a negative predictive value of 80%. In summary, the available evidence is currently insufficient to determine the role of this variant in disease. Therefore, it has been classified as a Variant of Uncertain Significance.